The following is an entry in ClinVar:

NM_001164508.2(NEB):c.18858del (p.Arg6287fs)

Gene: NEB (nebulin; minus strand). Cytogenetic location: 2q23.3.
Variant type: Deletion.
Coding change: c.18858del on transcript NM_001164508.2 (MANE Select); coding-DNA position 18858, one base deleted (A; older notation c.18858delA).
Protein change: p.Arg6287fs; shifts the reading frame from arginine 6287.
Molecular consequence: frameshift variant.
Genome position (GRCh38, 1-based): chr2:151,562,644, T deleted on the plus strand (A on the coding strand, the reverse complement: NEB is on the minus strand). VCF-style (leftmost placement, unchanged base first): chr2-151562643-GT-G. GRCh37 (hg19) VCF-style: chr2-152419157-GT-G.
Other names: c.18858del, p.Arg6287fs (NM_001164507.2, NM_001271208.2); c.13755del, p.Arg4586fs (NM_004543.5); short protein forms R4586fs, R6287fs.
Identifiers: ClinVar variation 5015759 (VCV005015759.1).
Genomic context (GRCh38, chr2:151,562,643, plus strand): 5'-GAGTCAAGCTGCAGAAGGGACATCATACATCACTCAAGATCTCCTGGGCGTTTCGGACGC[GT>G]ATAACATTGGGTTCTTCCAGAAGAGACGTCCACTGGTGGAAATAGTGTCGATACTCCAGG-3'

ClinVar aggregate classification (germline): Pathogenic (1 of 4 stars; one submission).

Conditions:
Nemaline myopathy 2 (NEM2). Also called: Nemaline myopathy 2, autosomal recessive. Identifiers: MedGen C1850569, MONDO:0009725, OMIM 256030.

Submission:

Myriad Genetics, Inc.
Classification: Pathogenic for Nemaline myopathy 2. Last evaluated: 2026-04-02. Review status: criteria provided, single submitter. Criteria: Myriad Autosomal Dominant, Autosomal Recessive and X-Linked Classification Criteria (2023). Collection method: clinical testing. Allele origin: unknown.
Comment: NM_001271208.1(NEB):c.18858delA(R6287Afs*9) is expected to be pathogenic in the context of NEB-related nemaline myopathy. This variant is predicted to lead to an abnormal or absent protein product due to the creation of a premature termination codon in NEB, a gene where loss-of-function variants are known to be pathogenic. Please note: this variant was assessed in the context of healthy population screening.